The following is an entry in ClinVar:

ClinVar aggregate classification (germline): Likely benign (1 of 4 stars; one submission).

Conditions:
Legius syndrome. Identifiers: Orphanet 137605, MedGen C1969623, MONDO:0012669, OMIM 611431. Disease mechanism: loss of function.

Allele frequency attached by ClinVar (database versions not stated): TOPMed 0.00017; 1000 Genomes Project 30x 0.00031; 1000 Genomes Project 0.00040.
gnomAD v4.1: 23 of 152,556 alleles (0.015%); highest among the groups gnomAD compares: Non-Finnish European, 0.019%; no homozygotes.

Submission:

Illumina Laboratory Services, Illumina
Classification: Likely benign for Legius syndrome. Last evaluated: 2018-01-12. Review status: criteria provided, single submitter. Criteria: ICSL Variant Classification Criteria 13 December 2019. Collection method: clinical testing. Allele origin: germline.
Comment: This variant was observed in the ICSL laboratory as part of a predisposition screen in an ostensibly healthy population. It had not been previously curated by ICSL or reported in the Human Gene Mutation Database (HGMD: prior to June 1st, 2018), and was therefore a candidate for classification through an automated scoring system. Utilizing variant allele frequency, disease prevalence and penetrance estimates, and inheritance mode, an automated score was calculated to assess if this variant is too frequent to cause the disease. Based on the score and internal cut-off values, a variant classified as likely benign is not then subjected to further curation. The score for this variant resulted in a classification of likely benign for this disease.

NM_152594.3(SPRED1):c.*581T>C

Gene: SPRED1 (sprouty related EVH1 domain containing 1; plus strand). Cytogenetic location: 15q14.
Variant type: single nucleotide variant.
Coding change: c.*581T>C on transcript NM_152594.3 (MANE Select); 581 bases downstream of the stop codon, T replaced by C.
Molecular consequence: 3 prime UTR variant.
Genome position (GRCh38, 1-based): chr15:38,352,245, T>C. VCF-style: chr15-38352245-T-C. GRCh37 (hg19) VCF-style: chr15-38644446-T-C.
Identifiers: ClinVar variation 887145 (VCV000887145.4), dbSNP rs541503324, ClinGen allele CA269293524.
Genomic context (GRCh38, chr15:38,352,245, plus strand): 5'-GTAAGGTACGAATTATTACATATTAAACTTTTCTTCCCCTTCCTAGTTCTGAAGTAGATA[T>C]ATATATATATATATCTACTGTCACATTCCATATATTTTGAATATTTAACTCATCTAGTTA-3'